The following is an entry in ClinVar:

NM_001142633.3(PIK3R5):c.18G>A (p.Thr6=)

Gene: PIK3R5 (phosphoinositide-3-kinase regulatory subunit 5; minus strand). Cytogenetic location: 17p13.1.
Variant type: single nucleotide variant.
Coding change: c.18G>A on transcript NM_001142633.3 (MANE Select); coding-DNA position 18, G replaced by A.
Protein change: p.Thr6=; no amino-acid change (threonine 6 retained).
Molecular consequence: synonymous variant. On other transcripts: 5 prime UTR variant (7), intron variant (1).
Genome position (GRCh38, 1-based): chr17:8,911,477, C>T on the plus strand (G>A on the coding strand, the complement: PIK3R5 is on the minus strand). VCF-style: chr17-8911477-C-T. GRCh37 (hg19) VCF-style: chr17-8814794-C-T.
Other names: c.-1203G>A (NM_001251851.2); c.-987G>A (NM_001251853.2, NM_001388400.1); c.-966G>A (NM_001251855.2); c.18G>A, p.Thr6= (NM_001388396.1, NM_014308.4); c.-1139G>A (NM_001388397.1); c.-1218G>A (NM_001388398.1); c.-1320G>A (NM_001388399.1); c.-1055-2303G>A (NM_001251852.2).
Identifiers: ClinVar variation 3053541 (VCV003053541.2), dbSNP rs150203145, ClinGen allele CA8380933.
Genomic context (GRCh38, chr17:8,911,477, plus strand): 5'-GAGGCTGAGTCCATGCAGGCAGCGTTCCAGGGCATGCTGGATGCGGTCCTCCGTGCATGT[C>T]GTGGCCCCTGGCTGCATCCTGGGTCATCGCCTGCATGGGGGACAGACGCCGGTCAGCTTG-3'
Protein context (NP_001136105.1, residues 1-16): MQPGA[Thr6=]TCTEDRIQHA

ClinVar aggregate classification (germline): Likely benign (0 of 4 stars; one submission).

Conditions:
PIK3R5-related disorder. Also called: PIK3R5-related condition.

Allele frequency attached by ClinVar (database versions not stated): gnomAD exomes 0.00001; ExAC 0.00002; TOPMed 0.00006; gnomAD 0.00007; ESP Exome Variant Server 0.00008.
gnomAD v4.1: 29 of 1,599,498 alleles (0.0018%); highest among the groups gnomAD compares: African/African-American, 0.013%; no homozygotes.

Submission:

PreventionGenetics, part of Exact Sciences
Classification: Likely benign for PIK3R5-related condition. Last evaluated: 2019-08-26. Review status: no assertion criteria provided. Collection method: clinical testing. Allele origin: germline.
Comment: This variant is classified as likely benign based on ACMG/AMP sequence variant interpretation guidelines (Richards et al. 2015 PMID: 25741868, with internal and published modifications).